The following is an entry in ClinVar:

ClinVar aggregate classification (germline): Uncertain significance (1 of 4 stars; one submission).

Conditions:
RASopathy. Also called: rasopathies; Noonan spectrum disorder. Identifiers: Orphanet 536391, MedGen C5555857, MONDO:0021060.

Submission:

Labcorp Genetics (formerly Invitae), Labcorp
Classification: Uncertain significance for RASopathy. Last evaluated: 2024-08-21. Review status: criteria provided, single submitter. Criteria: Invitae Variant Classification Sherloc (09022015). Collection method: clinical testing. Allele origin: germline.
Comment: This sequence change replaces lysine, which is basic and polar, with glutamine, which is neutral and polar, at codon 389 of the CBL protein (p.Lys389Gln). This variant is not present in population databases (gnomAD no frequency). This variant has not been reported in the literature in individuals affected with CBL-related conditions. Invitae Evidence Modeling of protein sequence and biophysical properties (such as structural, functional, and spatial information, amino acid conservation, physicochemical variation, residue mobility, and thermodynamic stability) indicates that this missense variant is expected to disrupt CBL protein function with a positive predictive value of 80%. In summary, the available evidence is currently insufficient to determine the role of this variant in disease. Therefore, it has been classified as a Variant of Uncertain Significance.

NM_005188.4(CBL):c.1165A>C (p.Lys389Gln)

Gene: CBL (Cbl proto-oncogene; plus strand). Cytogenetic location: 11q23.3.
Variant type: single nucleotide variant.
Coding change: c.1165A>C on transcript NM_005188.4 (MANE Select); coding-DNA position 1165, A replaced by C.
Protein change: p.Lys389Gln; replaces lysine 389 with glutamine.
Molecular consequence: missense variant.
Genome position (GRCh38, 1-based): chr11:119,278,235, A>C. VCF-style: chr11-119278235-A-C. GRCh37 (hg19) VCF-style: chr11-119148945-A-C.
Other names: short protein forms K389Q.
Identifiers: ClinVar variation 3634389 (VCV003634389.2).